The following is an entry in ClinVar:

ClinVar aggregate classification (germline): Uncertain significance (1 of 4 stars; one submission).

Submission:

GeneDx
Classification: Uncertain significance. Last evaluated: 2019-03-19. Review status: criteria provided, single submitter. Criteria: GeneDx Variant Classification Process June 2021. Collection method: clinical testing. Allele origin: germline. Affected: yes.
Comment: Not observed in large population cohorts (Lek et al., 2016; McVean et al., 2012; Exome Variant Server); Canonical splice site variant predicted to result in an in-frame deletion of exon 2; Has not been previously published as pathogenic or benign to our knowledge

NM_207346.3(TSEN54):c.221+1G>A

Gene: TSEN54 (tRNA splicing endonuclease subunit 54; plus strand). Cytogenetic location: 17q25.1.
Variant type: single nucleotide variant.
Coding change: c.221+1G>A on transcript NM_207346.3 (MANE Select); the canonical splice donor site of the intron after coding-DNA position 221, G replaced by A.
Molecular consequence: splice donor variant.
Genome position (GRCh38, 1-based): chr17:75,516,911, G>A. VCF-style: chr17-75516911-G-A. GRCh37 (hg19) VCF-style: chr17-73512992-G-A.
Identifiers: ClinVar variation 1307938 (VCV001307938.2), dbSNP rs2147005854, ClinGen allele CA401027244.
Genomic context (GRCh38, chr17:75,516,911, plus strand): 5'-GCTGCGCCGGTGCCGGGAAGAGCTCTGGCAGCTGCTGGCAGAGCAGCGCGTGGAGCGCCT[G>A]TGAGAGGGGCGGGCCCAGGGGTAAGGGAAGCGGGGGCGAGGCGGGCCGCGGGGTCTCCGG-3'